The following is an entry in ClinVar:

ClinVar aggregate classification (germline): Conflicting classifications of pathogenicity. Review status: criteria provided, conflicting classifications (1 of 4 stars). 3 submissions from 3 submitters: Uncertain significance (1); Benign (1). 1 of the submissions does not count toward it. Last evaluated 2025-03-17.

Conditions:
Fanconi anemia (FA). Also called: Fanconi's anemia. Identifiers: Orphanet 84, MedGen C0015625, MeSH D005199, MONDO:0019391.
Hereditary cancer-predisposing syndrome. Also called: Hereditary Cancer Syndrome; Hereditary neoplastic syndrome; Neoplastic Syndromes, Hereditary; Tumor predisposition. Identifiers: Orphanet 140162, MedGen C0027672, MeSH D009386, MONDO:0015356.
FANCC-related disorder. Also called: FANCC-related condition.

Submissions (3):

Labcorp Genetics (formerly Invitae), Labcorp
Classification: Benign for Fanconi anemia. Last evaluated: 2025-03-17. Review status: criteria provided, single submitter. Criteria: Invitae Variant Classification Sherloc (09022015). Collection method: clinical testing. Allele origin: germline.

Ambry Genetics
Classification: Uncertain significance for Hereditary cancer-predisposing syndrome. Last evaluated: 2018-07-24. Review status: criteria provided, single submitter. Criteria: Ambry Variant Classification Scheme 2023. Collection method: clinical testing. Allele origin: germline.
Comment: The c.346-3delT intronic variant, located in intron 3 of the FANCC gene, results from a deletion of one nucleotide within intron 3 of the FANCC gene. This nucleotide position is well conserved in available vertebrate species. Using the BDGP and ESEfinder splice site prediction tools, this alteration is not predicted to have any significant effect on this splice acceptor site; however, direct evidence is unavailable. Since supporting evidence is limited at this time, the clinical significance of this alteration remains unclear.

PreventionGenetics, part of Exact Sciences
Classification: Likely benign for FANCC-related condition. Last evaluated: 2023-12-06. Review status: no assertion criteria provided. Collection method: clinical testing. Allele origin: germline. Not counted in ClinVar's aggregate classification.
Comment: This variant is classified as likely benign based on ACMG/AMP sequence variant interpretation guidelines (Richards et al. 2015 PMID: 25741868, with internal and published modifications).

NM_000136.3(FANCC):c.346-3del

Gene: FANCC (FA complementation group C; minus strand). Cytogenetic location: 9q22.32.
Variant type: Deletion.
Coding change: c.346-3del on transcript NM_000136.3 (MANE Select); 3 bases into the intron before coding-DNA position 346, one base deleted (T; older notation c.346-3delT).
Molecular consequence: intron variant.
Genome position (GRCh38, 1-based): chr9:95,172,150, A deleted on the plus strand (T on the coding strand, the reverse complement: FANCC is on the minus strand); the first of 6 consecutive A bases (chr9:95,172,150-95,172,155); deleting any one gives the same sequence. VCF-style (leftmost placement, unchanged base first): chr9-95172149-TA-T. GRCh37 (hg19) VCF-style: chr9-97934431-TA-T.
Other names: c.346-3del (NM_001243744.2, NM_001243743.2).
Identifiers: ClinVar variation 1169342 (VCV001169342.13), dbSNP rs766373744, ClinGen allele CA5137759.
Genomic context (GRCh38, chr9:95,172,149, plus strand): 5'-GTGAAAAGAGCAACTTCTTTATCAAATCTGAGTGCTGAAAGTATATGAGATAATACACCC[TA>T]AAAAACATAAACAGAAAAAGTTAACTTCTTTAAAAGTAAATGCAAGTGCCTTTTATGTAC-3'